The following is an entry in ClinVar:

NM_001198800.3(ASCC1):c.695G>T (p.Gly232Val)

Gene: ASCC1 (activating signal cointegrator 1 complex subunit 1; minus strand). Cytogenetic location: 10q22.1.
Variant type: single nucleotide variant.
Coding change: c.695G>T on transcript NM_001198800.3 (MANE Select); coding-DNA position 695, G replaced by T.
Protein change: p.Gly232Val; replaces glycine 232 with valine.
Molecular consequence: missense variant. On other transcripts: non-coding transcript variant (1), intron variant (7).
Genome position (GRCh38, 1-based): chr10:72,152,920, C>A on the plus strand (G>T on the coding strand, the complement: ASCC1 is on the minus strand). VCF-style: chr10-72152920-C-A. GRCh37 (hg19) VCF-style: chr10-73912678-C-A.
Other names: c.695G>T, p.Gly232Val (NM_001198798.2, NM_001369087.1, NM_001369088.1 and 12 more transcripts); c.779G>T, p.Gly260Val (NM_001198799.3); c.761G>T, p.Gly254Val (NM_001369085.1, NM_001369086.1); c.578G>T, p.Gly193Val (NM_001369101.1, NM_001369102.1, NM_001369105.1 and 2 more transcripts); c.692+8618G>T (NM_001369099.1); c.626+8618G>T (NM_001369112.1, NM_001369108.1, NM_001369103.1 and 3 more transcripts); short protein forms G193V, G232V, G254V, G260V.
Identifiers: ClinVar variation 2416310 (VCV002416310.4), dbSNP rs765167866, ClinGen allele CA5548950.
Genomic context (GRCh38, chr10:72,152,920, plus strand): 5'-GAAATATACCTGTTGGAGCCATCTTTCATATGGACTTTGGCGTAAAGAACATCCACCATG[C>A]CAGGATCATCATTCATGTATTCTATCCCTGCCATCTCCACTTCTAGGGGTTTACCCCCAG-3'
Protein context (NP_001185729.1, residues 222-242): AGIEYMNDDP[Gly232Val]MVDVLYAKVH

ClinVar aggregate classification (germline): Uncertain significance (1 of 4 stars; one submission).

Allele frequency attached by ClinVar (database versions not stated): TOPMed below 0.00001; ExAC 0.00001; gnomAD exomes 0.00001.
gnomAD v4.1: 12 of 1,614,120 alleles (0.00074%); highest among the groups gnomAD compares: Admixed American, 0.012%; no homozygotes.

Submission:

Labcorp Genetics (formerly Invitae), Labcorp
Classification: Uncertain significance. Last evaluated: 2022-07-29. Review status: criteria provided, single submitter. Criteria: Invitae Variant Classification Sherloc (09022015). Collection method: clinical testing. Allele origin: germline.
Comment: This variant has not been reported in the literature in individuals affected with ASCC1-related conditions. In summary, the available evidence is currently insufficient to determine the role of this variant in disease. Therefore, it has been classified as a Variant of Uncertain Significance. Algorithms developed to predict the effect of missense changes on protein structure and function (SIFT, PolyPhen-2, Align-GVGD) all suggest that this variant is likely to be tolerated. This variant is present in population databases (rs765167866, gnomAD 0.02%). This sequence change replaces glycine, which is neutral and non-polar, with valine, which is neutral and non-polar, at codon 232 of the ASCC1 protein (p.Gly232Val).